The following is an entry in ClinVar:

NM_014244.5(ADAMTS2):c.1819T>C (p.Phe607Leu)

Gene: ADAMTS2 (ADAM metallopeptidase with thrombospondin type 1 motif 2; minus strand). Cytogenetic location: 5q35.3.
Variant type: single nucleotide variant.
Coding change: c.1819T>C on transcript NM_014244.5 (MANE Select); coding-DNA position 1819, T replaced by C.
Protein change: p.Phe607Leu; replaces phenylalanine 607 with leucine.
Molecular consequence: missense variant.
Genome position (GRCh38, 1-based): chr5:179,137,901, A>G on the plus strand (T>C on the coding strand, the complement: ADAMTS2 is on the minus strand). VCF-style: chr5-179137901-A-G. GRCh37 (hg19) VCF-style: chr5-178564902-A-G.
Other names: short protein forms F607L.
Identifiers: ClinVar variation 1479447 (VCV001479447.6), dbSNP rs1238183487, ClinGen allele CA362426906.

ClinVar aggregate classification (germline): Uncertain significance (1 of 4 stars; one submission).

Conditions:
Ehlers-Danlos syndrome, dermatosparaxis type. Also called: Dermatosparaxis; EDS VIIC; Ehlers-Danlos syndrome, type VII, autosomal recessive. Identifiers: Orphanet 1901, MedGen C2700425, MONDO:0009161, OMIM 225410.

Allele frequency attached by ClinVar (database versions not stated): gnomAD exomes below 0.00001; gnomAD 0.00001; TOPMed 0.00001.
gnomAD v4.1: 4 of 1,553,888 alleles (0.00026%); highest among the groups gnomAD compares: Non-Finnish European, 0.00035%; no homozygotes.

Submission:

Labcorp Genetics (formerly Invitae), Labcorp
Classification: Uncertain significance for Ehlers-Danlos syndrome, dermatosparaxis type. Last evaluated: 2021-08-22. Review status: criteria provided, single submitter. Criteria: Invitae Variant Classification Sherloc (09022015). Collection method: clinical testing. Allele origin: germline.
Comment: This sequence change replaces phenylalanine with leucine at codon 607 of the ADAMTS2 protein (p.Phe607Leu). The phenylalanine residue is highly conserved and there is a small physicochemical difference between phenylalanine and leucine. This variant is not present in population databases (ExAC no frequency). This variant has not been reported in the literature in individuals with ADAMTS2-related conditions. Algorithms developed to predict the effect of missense changes on protein structure and function are either unavailable or do not agree on the potential impact of this missense change (SIFT: "Deleterious"; PolyPhen-2: "Possibly Damaging"; Align-GVGD: "Class C15"). In summary, the available evidence is currently insufficient to determine the role of this variant in disease. Therefore, it has been classified as a Variant of Uncertain Significance.